The following is an entry in ClinVar:

NM_002480.3(PPP1R12A):c.1567C>T (p.Arg523Ter)

Gene: PPP1R12A (protein phosphatase 1 regulatory subunit 12A; minus strand). Cytogenetic location: 12q21.2.
Variant type: single nucleotide variant.
Coding change: c.1567C>T on transcript NM_002480.3 (MANE Select); coding-DNA position 1567, C replaced by T.
Protein change: p.Arg523Ter; replaces arginine 523 with a stop codon.
Molecular consequence: nonsense.
Genome position (GRCh38, 1-based): chr12:79,807,314, G>A on the plus strand (C>T on the coding strand, the complement: PPP1R12A is on the minus strand). VCF-style: chr12-79807314-G-A. GRCh37 (hg19) VCF-style: chr12-80201094-G-A.
Other names: c.1567C>T, p.Arg523Ter (NM_001143885.2, NM_001244990.2, NM_001244992.1); c.1306C>T, p.Arg436Ter (NM_001143886.2); c.1567C>T (NM_002480.2); short protein forms R436*, R523*.
Identifiers: ClinVar variation 1334539 (VCV001334539.5), dbSNP rs761795743, ClinGen allele CA385849223.

ClinVar aggregate classification (germline): Pathogenic/Likely pathogenic. Review status: criteria provided, multiple submitters, no conflicts (2 of 4 stars). 2 submissions from 2 submitters: Pathogenic (1); Likely pathogenic (1). Last evaluated 2026-02-20.

Conditions:
Genitourinary and/or brain malformation syndrome (GUBS). Also called: PPP1R12A-Related Urogenital and/or Brain Malformation Syndrome. Identifiers: MedGen C5394158, MONDO:0032934, OMIM 618820.

Submissions (2):

GeneDx
Classification: Pathogenic. Last evaluated: 2026-02-20. Review status: criteria provided, single submitter. Criteria: GeneDx Variant Classification Process June 2021. Collection method: clinical testing. Allele origin: germline.
Comment: Nonsense variant predicted to result in protein truncation or nonsense mediated decay in a gene for which loss of function is a known mechanism of disease; Not observed at significant frequency in large population cohorts (gnomAD); Has not been previously published as pathogenic or benign to our knowledge

Greenwood Genetic Center Diagnostic Laboratories, Greenwood Genetic Center
Classification: Likely pathogenic for Genitourinary and/or brain malformation syndrome. Last evaluated: 2021-08-02. Review status: criteria provided, single submitter. Criteria: ACMG Guidelines, 2015. Collection method: clinical testing. Allele origin: germline. Affected: yes.
Comment: PVS1, PM2